The following is an entry in ClinVar:

ClinVar aggregate classification (germline): Conflicting classifications of pathogenicity. Review status: criteria provided, conflicting classifications (1 of 4 stars). 3 submissions from 3 submitters: Uncertain significance (2); Likely benign (1). Last evaluated 2026-08-20.

Conditions:
Inborn genetic diseases. Identifiers: MedGen C0950123, MeSH D030342.

Allele frequency attached by ClinVar (database versions not stated): gnomAD exomes 0.00001 and below 0.00001; TOPMed 0.00005; gnomAD 0.00004 and 0.00006; ExAC 0.00005.
gnomAD v4.1: 10 of 1,512,868 alleles (0.00066%); highest among the groups gnomAD compares: African/African-American, 0.014%; no homozygotes.

Submissions (3):

Ambry Genetics
Classification: Uncertain significance for Inborn genetic diseases. Last evaluated: 2026-08-20. Review status: criteria provided, single submitter. Criteria: Ambry Variant Classification Scheme 2023. Collection method: clinical testing. Allele origin: germline.
Comment: The c.939-3T>C intronic alteration consists of a T to C substitution 3 nucleotides before coding exon 8 in the C5orf42 gene. Based on data from gnomAD, the C allele has an overall frequency of 0.003% (4/160114) total alleles studied. The highest observed frequency was 0.025% (4/16084) of African alleles. Based on insufficient or conflicting evidence, the clinical significance of this alteration remains unclear.

Labcorp Genetics (formerly Invitae), Labcorp
Classification: Uncertain significance. Last evaluated: 2024-10-15. Review status: criteria provided, single submitter. Criteria: Invitae Variant Classification Sherloc (09022015). Collection method: clinical testing. Allele origin: germline.
Comment: This sequence change falls in intron 8 of the CPLANE1 gene. It does not directly change the encoded amino acid sequence of the CPLANE1 protein. It affects a nucleotide within the consensus splice site. This variant is present in population databases (rs756698148, gnomAD 0.03%). This variant has not been reported in the literature in individuals affected with CPLANE1-related conditions. ClinVar contains an entry for this variant (Variation ID: 1356711). Variants that disrupt the consensus splice site are a relatively common cause of aberrant splicing (PMID: 17576681, 9536098). Algorithms developed to predict the effect of sequence changes on RNA splicing suggest that this variant is not likely to affect RNA splicing. In summary, the available evidence is currently insufficient to determine the role of this variant in disease. Therefore, it has been classified as a Variant of Uncertain Significance.

Blueprint Genetics
Classification: Likely benign. Last evaluated: 2017-05-17. Review status: criteria provided, single submitter. Criteria: ACMG Guidelines, 2015. Collection method: clinical testing. Allele origin: germline.

Literature cited by the submitters: PubMed 17576681 (cited by Labcorp Genetics (formerly Invitae), Labcorp); PubMed 9536098 (cited by Labcorp Genetics (formerly Invitae), Labcorp).

NM_001384732.1(CPLANE1):c.939-3T>C

Gene: CPLANE1 (ciliogenesis and planar polarity effector complex subunit 1; minus strand). Cytogenetic location: 5p13.2.
Variant type: single nucleotide variant.
Coding change: c.939-3T>C on transcript NM_001384732.1 (MANE Select); 3 bases into the intron before coding-DNA position 939, T replaced by C.
Molecular consequence: intron variant.
Genome position (GRCh38, 1-based): chr5:37,231,052, A>G on the plus strand (T>C on the coding strand, the complement: CPLANE1 is on the minus strand). VCF-style: chr5-37231052-A-G. GRCh37 (hg19) VCF-style: chr5-37231154-A-G.
Other names: c.939-3T>C (NM_023073.4, NM_023073.3).
Identifiers: ClinVar variation 1356711 (VCV001356711.8), dbSNP rs756698148, ClinGen allele CA3239142.